The following is an entry in ClinVar:

NM_001303256.3(MORC2):c.1277A>G (p.Asn426Ser)

Gene: MORC2 (MORC family CW-type zinc finger 2; minus strand). Cytogenetic location: 22q12.2.
Variant type: single nucleotide variant.
Coding change: c.1277A>G on transcript NM_001303256.3 (MANE Select); coding-DNA position 1277, A replaced by G.
Protein change: p.Asn426Ser; replaces asparagine 426 with serine.
Molecular consequence: missense variant.
Genome position (GRCh38, 1-based): chr22:30,937,907, T>C on the plus strand (A>G on the coding strand, the complement: MORC2 is on the minus strand). VCF-style: chr22-30937907-T-C. GRCh37 (hg19) VCF-style: chr22-31333894-T-C.
Other names: c.1277A>G, p.Asn426Ser (NM_001303257.2); c.1091A>G, p.Asn364Ser (NM_014941.3); short protein forms N364S, N426S.
Identifiers: ClinVar variation 3898717 (VCV003898717.7).
Genomic context (GRCh38, chr22:30,937,907, plus strand): 5'-TGCTCCCCCATTGCTCGGAGCAGGTGCCGGTACTCCTTGGCATCAGCAAAGTCCTGTTTG[T>C]TGTGTGTAGGCTCCAGGACCAGGTAGGGCACATCAACAACCCCAACAACCCCGCCACATG-3'
Protein context (NP_001290185.1, residues 416-436): VPYLVLEPTH[Asn426Ser]KQDFADAKEY

ClinVar aggregate classification (germline): Uncertain significance (1 of 4 stars; one submission).

Submission:

CeGaT Center for Human Genetics Tuebingen
Classification: Uncertain significance. Last evaluated: 2025-04-01. Review status: criteria provided, single submitter. Criteria: CeGaT Center For Human Genetics Tuebingen Variant Classification Criteria Version 2. Collection method: clinical testing. Allele origin: germline. Affected: yes. Observed: 1 variant allele.
Comment: MORC2: PM1, PM2, PP2